The following is an entry in ClinVar:

ClinVar aggregate classification (germline): Uncertain significance. Review status: criteria provided, multiple submitters, no conflicts (2 of 4 stars). 3 submissions from 3 submitters: Uncertain significance (2). 1 of the submissions does not count toward it. Last evaluated 2024-10-02.

Conditions:
Inborn genetic diseases. Identifiers: MedGen C0950123, MeSH D030342.
SAMD9-related disorder. Also called: SAMD9-related condition.

Allele frequency attached by ClinVar (database versions not stated): TOPMed 0.00002; gnomAD 0.00005.
gnomAD v4.1: 7 of 1,613,812 alleles (0.00043%); highest among the groups gnomAD compares: African/African-American, 0.0093%; no homozygotes.

Submissions (3):

Ambry Genetics
Classification: Uncertain significance for Inborn genetic diseases. Last evaluated: 2024-10-02. Review status: criteria provided, single submitter. Criteria: Ambry Variant Classification Scheme 2023. Collection method: clinical testing. Allele origin: germline.
Comment: The p.D1061G variant (also known as c.3182A>G), located in coding exon 1 of the SAMD9 gene, results from an A to G substitution at nucleotide position 3182. The aspartic acid at codon 1061 is replaced by glycine, an amino acid with similar properties. This amino acid position is conserved. In addition, this alteration is predicted to be tolerated by in silico analysis. Based on the available evidence, the clinical significance of this variant remains unclear.

GeneDx
Classification: Uncertain significance. Last evaluated: 2023-07-26. Review status: criteria provided, single submitter. Criteria: GeneDx Variant Classification Process June 2021. Collection method: clinical testing. Allele origin: germline. Affected: yes.
Comment: Not observed at significant frequency in large population cohorts (gnomAD); In silico analysis supports that this missense variant does not alter protein structure/function; Has not been previously published as pathogenic or benign to our knowledge

PreventionGenetics, part of Exact Sciences
Classification: Uncertain significance for SAMD9-related condition. Last evaluated: 2023-12-11. Review status: no assertion criteria provided. Collection method: clinical testing. Allele origin: germline. Not counted in ClinVar's aggregate classification.
Comment: The SAMD9 c.3182A>G variant is predicted to result in the amino acid substitution p.Asp1061Gly. To our knowledge, this variant has not been reported in the literature or in a large population database, indicating this variant is rare. At this time, the clinical significance of this variant is uncertain due to the absence of conclusive functional and genetic evidence.

NM_017654.4(SAMD9):c.3182A>G (p.Asp1061Gly)

Gene: SAMD9 (sterile alpha motif domain containing 9; minus strand). Cytogenetic location: 7q21.2.
Variant type: single nucleotide variant.
Coding change: c.3182A>G on transcript NM_017654.4 (MANE Select); coding-DNA position 3182, A replaced by G.
Protein change: p.Asp1061Gly; replaces aspartic acid 1061 with glycine.
Molecular consequence: missense variant.
Genome position (GRCh38, 1-based): chr7:93,102,916, T>C on the plus strand (A>G on the coding strand, the complement: SAMD9 is on the minus strand). VCF-style: chr7-93102916-T-C. GRCh37 (hg19) VCF-style: chr7-92732229-T-C.
Other names: c.3182A>G, p.Asp1061Gly (NM_001193307.2); short protein forms D1061G.
Identifiers: ClinVar variation 3055872 (VCV003055872.4), dbSNP rs1355058668, ClinGen allele CA368188600.
Genomic context (GRCh38, chr7:93,102,916, plus strand): 5'-TTTGGGTTGAACCGATGGATACTTTCAAGCAATACAGCTTCAACTGCTTCATTTCCTTCA[T>C]CTTTATGTAATGCTTCAATAAATGGGGAAAACCAATTTCCTGTTTCACCTTCATGTTCAT-3'
Protein context (NP_060124.2, residues 1051-1071): FSPFIEALHK[Asp1061Gly]EGNEAVEAVL